The following is an entry in ClinVar:

NM_003047.5(SLC9A1):c.1112T>C (p.Ile371Thr)

Gene: SLC9A1 (solute carrier family 9 member A1; minus strand). Cytogenetic location: 1p36.11.
Variant type: single nucleotide variant.
Coding change: c.1112T>C on transcript NM_003047.5 (MANE Select); coding-DNA position 1112, T replaced by C.
Protein change: p.Ile371Thr; replaces isoleucine 371 with threonine.
Molecular consequence: missense variant. On other transcripts: non-coding transcript variant (1).
Genome position (GRCh38, 1-based): chr1:27,107,818, A>G on the plus strand (T>C on the coding strand, the complement: SLC9A1 is on the minus strand). VCF-style: chr1-27107818-A-G. GRCh37 (hg19) VCF-style: chr1-27434309-A-G.
Other names: short protein forms I371T.
Identifiers: ClinVar variation 1700408 (VCV001700408.2), dbSNP rs2124142438, ClinGen allele CA339186896.

ClinVar aggregate classification (germline): Uncertain significance (1 of 4 stars; one submission).

Allele frequency attached by ClinVar (database versions not stated): gnomAD exomes below 0.00001.
gnomAD v4.1: 1 of 1,609,818 alleles (0.000062%); highest among the groups gnomAD compares: South Asian, 0.0011%; no homozygotes.

Submission:

GeneDx
Classification: Uncertain significance. Last evaluated: 2022-02-04. Review status: criteria provided, single submitter. Criteria: GeneDx Variant Classification Process June 2021. Collection method: clinical testing. Allele origin: germline. Affected: yes.
Comment: Not observed at significant frequency in large population cohorts (gnomAD); In silico analysis supports that this missense variant has a deleterious effect on protein structure/function; Has not been previously published as pathogenic or benign to our knowledge